The following is an entry in ClinVar:

NM_000384.3(APOB):c.6614T>A (p.Ile2205Asn)

Gene: APOB (apolipoprotein B; minus strand). Cytogenetic location: 2p24.1.
Variant type: single nucleotide variant.
Coding change: c.6614T>A on transcript NM_000384.3 (MANE Select); coding-DNA position 6614, T replaced by A.
Protein change: p.Ile2205Asn; replaces isoleucine 2205 with asparagine.
Molecular consequence: missense variant.
Genome position (GRCh38, 1-based): chr2:21,010,254, A>T on the plus strand (T>A on the coding strand, the complement: APOB is on the minus strand). VCF-style: chr2-21010254-A-T. GRCh37 (hg19) VCF-style: chr2-21233126-A-T.
Other names: short protein forms I2205N.
Identifiers: ClinVar variation 4755954 (VCV004755954.1).
Genomic context (GRCh38, chr2:21,010,254, plus strand): 5'-GTTTTTACTAAATTTACACGGATATGATAGTGCTCATCAAGACTTTTTAATTTTTCAATG[A>T]TTTCATCAATAATATTAGCAATAGCTATTTTCAAATCATGTAAATCATAACTATCTTTAA-3'
Protein context (NP_000375.3, residues 2195-2215): KIAIANIIDE[Ile2205Asn]IEKLKSLDEH

ClinVar aggregate classification (germline): Uncertain significance (1 of 4 stars; one submission).

Submission:

GeneDx
Classification: Uncertain significance. Last evaluated: 2025-08-04. Review status: criteria provided, single submitter. Criteria: GeneDx Variant Classification Process June 2021. Collection method: clinical testing. Allele origin: germline. Affected: yes.
Comment: Not observed at significant frequency in large population cohorts (gnomAD); In silico analysis supports that this missense variant has a deleterious effect on protein structure/function; Has not been previously published as pathogenic or benign to our knowledge